The following is an entry in ClinVar:

ClinVar aggregate classification (germline): Likely benign. Review status: criteria provided, multiple submitters, no conflicts (2 of 4 stars). 6 submissions from 6 submitters: Likely benign (4). 2 of the submissions do not count toward it. Last evaluated 2026-01-28.

Conditions:
Inborn genetic diseases. Identifiers: MedGen C0950123, MeSH D030342.
VPS13A-related disorder. Also called: VPS13A-related condition.
VPS13A-related neurodegenerative disease. Also called: LEVINE-CRITCHLEY SYNDROME; Choreoacanthocytosis; VPS13A Disease; Chorea-acanthocytosis; ACANTHOCYTOSIS WITH NEUROLOGIC DISORDER; Choreaacanthocytosis. Identifiers: Orphanet 2388, MedGen C0393576, MONDO:0008695, OMIM 200150.

Allele frequency attached by ClinVar (database versions not stated): ExAC 0.00056; 1000 Genomes Project 0.00140; 1000 Genomes Project 30x 0.00172; TOPMed 0.00175; gnomAD 0.00180 and 0.00198; ESP Exome Variant Server 0.00192.
gnomAD v4.1: 523 of 1,602,988 alleles (0.033%); highest among the groups gnomAD compares: African/African-American, 0.64%; 4 homozygotes.

Submissions (6):

Labcorp Genetics (formerly Invitae), Labcorp
Classification: Likely benign. Last evaluated: 2026-01-28. Review status: criteria provided, single submitter. Criteria: Invitae Variant Classification Sherloc (09022015). Collection method: clinical testing. Allele origin: germline.

ARUP Laboratories, Molecular Genetics and Genomics, ARUP Laboratories
Classification: Likely benign for VPS13A-related neurodegenerative disease. Last evaluated: 2024-01-17. Review status: criteria provided, single submitter. Criteria: ARUP Molecular Germline Variant Investigation Process 2024. Collection method: clinical testing. Allele origin: germline.

Athena Diagnostics
Classification: Likely benign. Last evaluated: 2023-07-26. Review status: criteria provided, single submitter. Criteria: Athena Diagnostics Criteria. Collection method: clinical testing. Allele origin: unknown.

Ambry Genetics
Classification: Likely benign for Inborn genetic diseases. Last evaluated: 2022-12-01. Review status: criteria provided, single submitter. Criteria: Ambry General Variant Classification Scheme_2022. Collection method: clinical testing. Allele origin: germline.

PreventionGenetics, part of Exact Sciences
Classification: Likely benign for VPS13A-related condition. Last evaluated: 2020-01-30. Review status: no assertion criteria provided. Collection method: clinical testing. Allele origin: germline. Not counted in ClinVar's aggregate classification.
Comment: This variant is classified as likely benign based on ACMG/AMP sequence variant interpretation guidelines (Richards et al. 2015 PMID: 25741868, with internal and published modifications).

Natera, Inc.
Classification: Benign for Choreaacanthocytosis. Last evaluated: 2019-11-11. Review status: no assertion criteria provided. Collection method: clinical testing. Allele origin: germline. Not counted in ClinVar's aggregate classification.

NM_033305.3(VPS13A):c.4007A>T (p.His1336Leu)

Gene: VPS13A (vacuolar protein sorting 13 homolog A; plus strand). Cytogenetic location: 9q21.2.
Variant type: single nucleotide variant.
Coding change: c.4007A>T on transcript NM_033305.3 (MANE Select); coding-DNA position 4007, A replaced by T.
Protein change: p.His1336Leu; replaces histidine 1336 with leucine.
Molecular consequence: missense variant.
Genome position (GRCh38, 1-based): chr9:77,307,991, A>T. VCF-style: chr9-77307991-A-T. GRCh37 (hg19) VCF-style: chr9-79922907-A-T.
Other names: c.3890A>T, p.His1297Leu (NM_001018037.2); c.4007A>T, p.His1336Leu (NM_001018038.3, NM_015186.4); short protein forms H1336L, H1297L.
Identifiers: ClinVar variation 448861 (VCV000448861.21), dbSNP rs142058362, ClinGen allele CA5092412.
Genomic context (GRCh38, chr9:77,307,991, plus strand): 5'-TTTTTTTTTAACAGTTCATTCTTAGTCAAGAAGATATAACAACTATTTTTAAAACATTGC[A>T]TGGCAATATATGGTATGAAAAAGATGGTAGTGCCTCACCTGCTGTAACAAAAGACCAATA-3'
Protein context (NP_150648.2, residues 1326-1346): EDITTIFKTL[His1336Leu]GNIWYEKDGS